The following is an entry in ClinVar:

ClinVar aggregate classification (germline): Uncertain significance (1 of 4 stars; one submission).

Conditions:
Aortic aneurysm, familial thoracic 4 (AAT4). Also called: AORTIC ANEURYSM/AORTIC DISSECTION AND PATENT DUCTUS ARTERIOSUS. Identifiers: MedGen C1851504, MONDO:0007568, OMIM 132900.

Submission:

Labcorp Genetics (formerly Invitae), Labcorp
Classification: Uncertain significance for Aortic aneurysm, familial thoracic 4. Last evaluated: 2020-01-21. Review status: criteria provided, single submitter. Criteria: Invitae Variant Classification Sherloc (09022015). Collection method: clinical testing. Allele origin: germline.
Comment: In summary, the available evidence is currently insufficient to determine the role of this variant in disease. Therefore, it has been classified as a Variant of Uncertain Significance. Algorithms developed to predict the effect of missense changes on protein structure and function are either unavailable or do not agree on the potential impact of this missense change (SIFT: "Deleterious"; PolyPhen-2: "Benign"; Align-GVGD: "Class C15"). This variant has not been reported in the literature in individuals with MYH11-related conditions. This variant is not present in population databases (ExAC no frequency). This sequence change replaces valine with alanine at codon 1341 of the MYH11 protein (p.Val1341Ala). The valine residue is highly conserved and there is a small physicochemical difference between valine and alanine.

NM_002474.3(MYH11):c.4001T>C (p.Val1334Ala)

Genes: MYH11 (myosin heavy chain 11; minus strand), NDE1 (nudE neurodevelopment protein 1; plus strand). Cytogenetic location: 16p13.11.
Variant type: single nucleotide variant.
Coding change: c.4001T>C on transcript NM_002474.3 (MANE Select); coding-DNA position 4001, T replaced by C.
Protein change: p.Val1334Ala; replaces valine 1334 with alanine.
Molecular consequence: missense variant. On other transcripts: 3 prime UTR variant (2).
Genome position (GRCh38, 1-based): chr16:15,724,762, A>G on the plus strand (T>C on the coding strand, the complement: MYH11 is on the minus strand). VCF-style: chr16-15724762-A-G. GRCh37 (hg19) VCF-style: chr16-15818619-A-G.
Other names: c.*511A>G (NM_017668.3, NM_001143979.2); c.4001T>C, p.Val1334Ala (NM_022844.3); c.4022T>C, p.Val1341Ala (NM_001040113.2, NM_001040114.2); short protein forms V1334A, V1341A.
Identifiers: ClinVar variation 1037795 (VCV001037795.8), dbSNP rs2040664317, ClinGen allele CA394858618.